The following is an entry in ClinVar:

ClinVar aggregate classification (germline): Benign. Review status: criteria provided, multiple submitters, no conflicts (2 of 4 stars). 2 submissions from 2 submitters: Benign (2). Last evaluated 2016-03-29.

Allele frequency attached by ClinVar (database versions not stated): 1000 Genomes Project 30x 0.02904; 1000 Genomes Project 0.03015; TOPMed 0.03080; gnomAD 0.03184 and 0.03345; ESP Exome Variant Server 0.03320; gnomAD exomes 0.04320 and 0.04472; ExAC 0.04482.
gnomAD v4.1: 70,541 of 1,613,954 alleles (4.4%); highest among the groups gnomAD compares: South Asian, 8.7%; 1,873 homozygotes.

Submissions (2):

Laboratory for Molecular Medicine, Mass General Brigham Personalized Medicine
Classification: Benign. Last evaluated: 2016-03-29. Review status: criteria provided, single submitter. Criteria: LMM Criteria. Collection method: clinical testing. Allele origin: germline.
Comment: Variant identified in a genome or exome case(s) and assessed due to predicted null impact of the variant or pathogenic assertions in the literature or databases. Disclaimer: This variant has not undergone full assessment. The following are preliminary notes: Frequency

Breakthrough Genomics
Classification: Benign. Review status: criteria provided, single submitter. Criteria: ACMG Guidelines, 2015. Collection method: not provided. Allele origin: germline. Inheritance: Unknown mechanism. Affected: yes.

NM_001366683.2(DOCK9):c.1301C>T (p.Ala434Val)

Genes: DOCK9 (dedicator of cytokinesis 9; minus strand), LOC126861822 (BRD4-independent group 4 enhancer GRCh37_chr13:99553940-99555139; plus strand). Cytogenetic location: 13q32.3.
Variant type: single nucleotide variant.
Coding change: c.1301C>T on transcript NM_001366683.2 (MANE Select); coding-DNA position 1301, C replaced by T.
Protein change: p.Ala434Val; replaces alanine 434 with valine.
Molecular consequence: missense variant.
Genome position (GRCh38, 1-based): chr13:98,902,367, G>A on the plus strand (C>T on the coding strand, the complement: DOCK9 is on the minus strand). VCF-style: chr13-98902367-G-A. GRCh37 (hg19) VCF-style: chr13-99554621-G-A.
Other names: c.1301C>T, p.Ala434Val (NM_001130048.2, NM_001130050.2, NM_001366679.2 and 4 more transcripts); c.1304C>T, p.Ala435Val (NM_001130049.2, NM_001318849.2, NM_015296.3); c.1337C>T, p.Ala446Val (NM_001366676.2, NM_001366677.2, NM_001366678.2); short protein forms A435V, A434V, A446V.
Identifiers: ClinVar variation 402794 (VCV000402794.5), dbSNP rs62620184, ClinGen allele CA7030107.